The following is an entry in ClinVar:

ClinVar aggregate classification (germline): Uncertain significance (1 of 4 stars; one submission).

gnomAD v4.1: 1 of 1,614,054 alleles (0.000062%); highest among the groups gnomAD compares: Admixed American, 0.0017%; no homozygotes.

Submission:

Ambry Genetics
Classification: Uncertain significance. Last evaluated: 2025-02-19. Review status: criteria provided, single submitter. Criteria: Ambry Variant Classification Scheme 2023. Collection method: clinical testing. Allele origin: germline.
Comment: The p.N96K variant (also known as c.288C>G), located in coding exon 1 of the CDK12 gene, results from a C to G substitution at nucleotide position 288. The asparagine at codon 96 is replaced by lysine, an amino acid with similar properties. This amino acid position is conserved. In addition, this alteration is predicted to be tolerated by in silico analysis. Based on the available evidence, the clinical significance of this variant remains unclear.

NM_016507.4(CDK12):c.288C>G (p.Asn96Lys)

Genes: CDK12 (cyclin dependent kinase 12; plus strand), LOC126862553 (CDK7 strongly-dependent group 2 enhancer GRCh37_chr17:37618166-37619365; plus strand). Cytogenetic location: 17q12.
Variant type: single nucleotide variant.
Coding change: c.288C>G on transcript NM_016507.4 (MANE Select); coding-DNA position 288, C replaced by G.
Protein change: p.Asn96Lys; replaces asparagine 96 with lysine.
Molecular consequence: missense variant.
Genome position (GRCh38, 1-based): chr17:39,462,359, C>G. VCF-style: chr17-39462359-C-G. GRCh37 (hg19) VCF-style: chr17-37618612-C-G.
Other names: c.288C>G, p.Asn96Lys (NM_015083.4); short protein forms N96K.
Identifiers: ClinVar variation 3830682 (VCV003830682.1).